The following is an entry in ClinVar:

NM_001127178.3(PIGG):c.1573G>C (p.Val525Leu)

Gene: PIGG (phosphatidylinositol glycan anchor biosynthesis class G (EMM blood group); plus strand). Cytogenetic location: 4p16.3.
Variant type: single nucleotide variant.
Coding change: c.1573G>C on transcript NM_001127178.3 (MANE Select); coding-DNA position 1573, G replaced by C.
Protein change: p.Val525Leu; replaces valine 525 with leucine.
Molecular consequence: missense variant. On other transcripts: 3 prime UTR variant (2), non-coding transcript variant (10).
Genome position (GRCh38, 1-based): chr4:521,900, G>C. VCF-style: chr4-521900-G-C. GRCh37 (hg19) VCF-style: chr4-515689-G-C.
Other names: c.1306G>C, p.Val436Leu (NM_001289051.2, NM_001289053.2, NM_001345986.2); c.1174G>C, p.Val392Leu (NM_001289052.2); c.*135G>C (NM_001289055.2); c.*188G>C (NM_001289057.2); c.1282G>C, p.Val428Leu (NM_001345987.2); c.544G>C, p.Val182Leu (NM_001345988.2); c.1573G>C, p.Val525Leu (NM_001345989.2); c.40G>C, p.Val14Leu (NM_001345990.2, NM_001345991.2); and 2 more; short protein forms V182L, V428L, V14L, V159L, V392L, V436L, V525L, V517L.
Identifiers: ClinVar variation 956484 (VCV000956484.11), dbSNP rs1726031358, ClinGen allele CA355905087.

ClinVar aggregate classification (germline): Uncertain significance. Review status: criteria provided, multiple submitters, no conflicts (2 of 4 stars). 2 submissions from 2 submitters: Uncertain significance (2). Last evaluated 2024-07-16.

Conditions:
Intellectual disability, autosomal recessive 53 (NEDHSCA). Also called: GLYCOSYLPHOSPHATIDYLINOSITOL BIOSYNTHESIS DEFECT 13; Mental retardation, autosomal recessive 53; NEURODEVELOPMENTAL DISORDER WITH OR WITHOUT HYPOTONIA, SEIZURES, AND CEREBELLAR ATROPHY. Identifiers: Orphanet 488635, MedGen C4310794, MONDO:0014832, OMIM 616917.

Allele frequency attached by ClinVar (database versions not stated): gnomAD exomes below 0.00001.
gnomAD v4.1: 1 of 1,614,228 alleles (0.000062%); highest among the groups gnomAD compares: Non-Finnish European, 0.000085%; no homozygotes.

Submissions (2):

GeneDx
Classification: Uncertain significance. Last evaluated: 2024-07-16. Review status: criteria provided, single submitter. Criteria: GeneDx Variant Classification Process June 2021. Collection method: clinical testing. Allele origin: germline. Affected: yes.
Comment: Not observed at significant frequency in large population cohorts (gnomAD); In silico analysis indicates that this missense variant does not alter protein structure/function; Has not been previously published as pathogenic or benign to our knowledge

Labcorp Genetics (formerly Invitae), Labcorp
Classification: Uncertain significance for Intellectual disability, autosomal recessive 53. Last evaluated: 2019-08-25. Review status: criteria provided, single submitter. Criteria: Invitae Variant Classification Sherloc (09022015). Collection method: clinical testing. Allele origin: germline.
Comment: This variant has not been reported in the literature in individuals with PIGG-related conditions. This variant is not present in population databases (ExAC no frequency). Algorithms developed to predict the effect of missense changes on protein structure and function output the following: SIFT: "Tolerated"; PolyPhen-2: "Benign"; Align-GVGD: "Class C0". The leucine amino acid residue is found in multiple mammalian species, suggesting that this missense change does not adversely affect protein function. These predictions have not been confirmed by published functional studies and their clinical significance is uncertain. In summary, the available evidence is currently insufficient to determine the role of this variant in disease. Therefore, it has been classified as a Variant of Uncertain Significance. This sequence change replaces valine with leucine at codon 525 of the PIGG protein (p.Val525Leu). The valine residue is weakly conserved and there is a small physicochemical difference between valine and leucine.